The following is an entry in ClinVar:

NM_001077653.2(TBX20):c.160C>T (p.Pro54Ser)

Gene: TBX20 (T-box transcription factor 20; minus strand). Cytogenetic location: 7p14.2.
Variant type: single nucleotide variant.
Coding change: c.160C>T on transcript NM_001077653.2 (MANE Select); coding-DNA position 160, C replaced by T.
Protein change: p.Pro54Ser; replaces proline 54 with serine.
Molecular consequence: missense variant.
Genome position (GRCh38, 1-based): chr7:35,250,171, G>A on the plus strand (C>T on the coding strand, the complement: TBX20 is on the minus strand). VCF-style: chr7-35250171-G-A. GRCh37 (hg19) VCF-style: chr7-35289783-G-A.
Other names: c.160C>T, p.Pro54Ser (NM_001166220.1); short protein forms P54S.
Identifiers: ClinVar variation 2705478 (VCV002705478.4), dbSNP rs755690552, ClinGen allele CA367265360.
Genomic context (GRCh38, chr7:35,250,171, plus strand): 5'-TGCTGCCACTGCCTCCACCAAACTCCCCATGAGCATCCAGGCTGGTCAGCTCACCCAGGG[G>A]CTGGGCACAGGACGACTTCTCCACAAATTGCTCTGGAGGTAAAGAGAATTGTGAATGACA-3'
Protein context (NP_001071121.1, residues 44-64): QFVEKSSCAQ[Pro54Ser]LGELTSLDAH

ClinVar aggregate classification (germline): Uncertain significance. Review status: criteria provided, multiple submitters, no conflicts (2 of 4 stars). 2 submissions from 2 submitters: Uncertain significance (2). Last evaluated 2024-12-03.

Submissions (2):

GeneDx
Classification: Uncertain significance. Last evaluated: 2024-12-03. Review status: criteria provided, single submitter. Criteria: GeneDx Variant Classification Process June 2021. Collection method: clinical testing. Allele origin: germline. Affected: yes.
Comment: Not observed at significant frequency in large population cohorts (gnomAD); In silico analysis indicates that this missense variant does not alter protein structure/function; Has not been previously published as pathogenic or benign to our knowledge

Labcorp Genetics (formerly Invitae), Labcorp
Classification: Uncertain significance. Last evaluated: 2023-12-25. Review status: criteria provided, single submitter. Criteria: Invitae Variant Classification Sherloc (09022015). Collection method: clinical testing. Allele origin: germline.
Comment: This sequence change replaces proline, which is neutral and non-polar, with serine, which is neutral and polar, at codon 54 of the TBX20 protein (p.Pro54Ser). This variant is not present in population databases (gnomAD no frequency). This variant has not been reported in the literature in individuals affected with TBX20-related conditions. Algorithms developed to predict the effect of missense changes on protein structure and function output the following: SIFT: "Not Available"; PolyPhen-2: "Benign"; Align-GVGD: "Not Available". The serine amino acid residue is found in multiple mammalian species, which suggests that this missense change does not adversely affect protein function. In summary, the available evidence is currently insufficient to determine the role of this variant in disease. Therefore, it has been classified as a Variant of Uncertain Significance.